The following is an entry in ClinVar:

NM_006231.4(POLE):c.5507C>T (p.Ala1836Val)

Gene: POLE (DNA polymerase epsilon, catalytic subunit; minus strand). Cytogenetic location: 12q24.33.
Variant type: single nucleotide variant.
Coding change: c.5507C>T on transcript NM_006231.4 (MANE Select); coding-DNA position 5507, C replaced by T.
Protein change: p.Ala1836Val; replaces alanine 1836 with valine.
Molecular consequence: missense variant.
Genome position (GRCh38, 1-based): chr12:132,639,170, G>A on the plus strand (C>T on the coding strand, the complement: POLE is on the minus strand). VCF-style: chr12-132639170-G-A. GRCh37 (hg19) VCF-style: chr12-133215756-G-A.
Other names: short protein forms A1836V.
Identifiers: ClinVar variation 240561 (VCV000240561.15), dbSNP rs780776704, ClinGen allele CA6892507.

ClinVar aggregate classification (germline): Uncertain significance. Review status: criteria provided, multiple submitters, no conflicts (2 of 4 stars). 4 submissions from 4 submitters: Uncertain significance (4). Last evaluated 2025-11-22.

Conditions:
Hereditary cancer-predisposing syndrome. Also called: Tumor predisposition; Neoplastic Syndromes, Hereditary; Hereditary Cancer Syndrome; Hereditary neoplastic syndrome. Identifiers: Orphanet 140162, MedGen C0027672, MeSH D009386, MONDO:0015356.

Allele frequency attached by ClinVar (database versions not stated): TOPMed below 0.00001; ExAC 0.00001; gnomAD 0.00001; gnomAD exomes 0.00001 and 0.00005.
gnomAD v4.1: 68 of 1,614,052 alleles (0.0042%); highest among the groups gnomAD compares: Non-Finnish European, 0.0057%; no homozygotes.

Submissions (4):

Labcorp Genetics (formerly Invitae), Labcorp
Classification: Uncertain significance. Last evaluated: 2025-11-22. Review status: criteria provided, single submitter. Criteria: Invitae Variant Classification Sherloc (09022015). Collection method: clinical testing. Allele origin: germline.
Comment: This sequence change replaces alanine, which is neutral and non-polar, with valine, which is neutral and non-polar, at codon 1836 of the POLE protein (p.Ala1836Val). This variant is present in population databases (rs780776704, gnomAD 0.002%). This variant has not been reported in the literature in individuals affected with POLE-related conditions. ClinVar contains an entry for this variant (Variation ID: 240561). Invitae Evidence Modeling of protein sequence and biophysical properties (such as structural, functional, and spatial information, amino acid conservation, physicochemical variation, residue mobility, and thermodynamic stability) indicates that this missense variant is not expected to disrupt POLE protein function with a negative predictive value of 80%. In summary, the available evidence is currently insufficient to determine the role of this variant in disease. Therefore, it has been classified as a Variant of Uncertain Significance.

Ambry Genetics
Classification: Uncertain significance for Hereditary cancer-predisposing syndrome. Last evaluated: 2024-12-06. Review status: criteria provided, single submitter. Criteria: Ambry Variant Classification Scheme 2023. Collection method: clinical testing. Allele origin: germline.
Comment: The p.A1836V variant (also known as c.5507C>T), located in coding exon 40 of the POLE gene, results from a C to T substitution at nucleotide position 5507. The alanine at codon 1836 is replaced by valine, an amino acid with similar properties. This amino acid position is well conserved in available vertebrate species. In addition, this alteration is predicted to be tolerated by in silico analysis. Based on the available evidence, the clinical significance of this variant remains unclear.

GeneDx
Classification: Uncertain significance. Last evaluated: 2023-01-23. Review status: criteria provided, single submitter. Criteria: GeneDx Variant Classification Process June 2021. Collection method: clinical testing. Allele origin: germline. Affected: yes.
Comment: Not observed at significant frequency in large population cohorts (gnomAD); In silico analysis supports that this missense variant has a deleterious effect on protein structure/function; Has not been previously published as pathogenic or benign to our knowledge; This variant is associated with the following publications: (PMID: 29641532)

Quest Diagnostics Nichols Institute San Juan Capistrano
Classification: Uncertain significance. Last evaluated: 2019-06-11. Review status: criteria provided, single submitter. Criteria: Quest Diagnostics criteria. Collection method: clinical testing. Allele origin: germline.